The following is an entry in ClinVar:

ClinVar aggregate classification (germline): Uncertain significance (1 of 4 stars; one submission).

Conditions:
Dilated cardiomyopathy 1G (CMD1G). Identifiers: Orphanet 154, MedGen C1858763, MONDO:0011400, OMIM 604145.
Autosomal recessive limb-girdle muscular dystrophy type 2J (LGMDR10). Also called: Limb-girdle muscular dystrophy, type 2J; MUSCULAR DYSTROPHY, LIMB-GIRDLE, AUTOSOMAL RECESSIVE 10. Identifiers: Orphanet 140922, MedGen C1837342, MONDO:0012127, OMIM 608807.

Submission:

Labcorp Genetics (formerly Invitae), Labcorp
Classification: Uncertain significance for Dilated cardiomyopathy 1G; Autosomal recessive limb-girdle muscular dystrophy type 2J. Last evaluated: 2019-07-22. Review status: criteria provided, single submitter. Criteria: Invitae Variant Classification Sherloc (09022015). Collection method: clinical testing. Allele origin: germline.
Comment: This variant has not been reported in the literature in individuals with TTN-related conditions. This sequence change replaces glutamic acid with lysine at codon 34867 of the TTN protein (p.Glu34867Lys). There is a small physicochemical difference between glutamic acid and lysine. This variant is not present in population databases (ExAC no frequency). In summary, the available evidence is currently insufficient to determine the role of this variant in disease. Therefore, it has been classified as a Variant of Uncertain Significance. This variant is located in the M band of TTN (PMID: 25589632). Variants in this region may be relevant for neuromuscular disorders, but have not been definitively shown to cause cardiomyopathy (PMID: 23975875). Algorithms developed to predict the effect of missense changes on protein structure and function are unavailable for the TTN gene.

Literature cited by the submitters: PubMed 25589632; PubMed 23975875.

NM_001267550.2(TTN):c.104599G>A (p.Glu34867Lys)

Genes: TTN (titin; minus strand), TTN-AS1 (TTN antisense RNA 1; plus strand). Cytogenetic location: 2q31.2.
Variant type: single nucleotide variant.
Coding change: c.104599G>A on transcript NM_001267550.2 (MANE Select); coding-DNA position 104599, G replaced by A.
Protein change: p.Glu34867Lys; replaces glutamic acid 34867 with lysine.
Molecular consequence: missense variant.
Genome position (GRCh38, 1-based): chr2:178,532,016, C>T on the plus strand (G>A on the coding strand, the complement: TTN is on the minus strand). VCF-style: chr2-178532016-C-T. GRCh37 (hg19) VCF-style: chr2-179396743-C-T.
Other names: c.99676G>A, p.Glu33226Lys (NM_001256850.1); c.77404G>A, p.Glu25802Lys (NM_003319.4); c.96895G>A, p.Glu32299Lys (NM_133378.4); c.77779G>A, p.Glu25927Lys (NM_133432.3); c.77980G>A, p.Glu25994Lys (NM_133437.4); short protein forms E25927K, E25802K, E33226K, E32299K, E34867K, E25994K.
Identifiers: ClinVar variation 942292 (VCV000942292.8), dbSNP rs1689335929, ClinGen allele CA349411331.